The following is an entry in ClinVar:

ClinVar aggregate classification (germline): Pathogenic/Likely pathogenic. Review status: criteria provided, multiple submitters, no conflicts (2 of 4 stars). 7 submissions from 7 submitters: Pathogenic (6); Likely pathogenic (1). Last evaluated 2025-12-15.

Conditions:
Primary ciliary dyskinesia. Also called: Ciliary dyskinesia. Identifiers: Orphanet 244, MedGen C0008780, MONDO:0016575, HP:0012265.
Primary ciliary dyskinesia 3. Identifiers: Orphanet 244, MedGen C1837618, MONDO:0012085, OMIM 608644.
Respiratory ciliopathies including non-CF bronchiectasis.

Allele frequency attached by ClinVar (database versions not stated): gnomAD 0.00001; gnomAD exomes 0.00001; TOPMed 0.00002.
gnomAD v4.1: 18 of 1,613,834 alleles (0.0011%); highest among the groups gnomAD compares: South Asian, 0.0044%; no homozygotes.

Submissions (7):

Natera, Inc.
Classification: Pathogenic for Primary ciliary dyskinesia. Last evaluated: 2025-12-15. Review status: criteria provided, single submitter. Criteria: Natera Variant Classification Schema (03/2026). Collection method: clinical testing. Allele origin: germline.
Comment: The c.9502C>T variant in DNAH5 is a nonsense variant predicted to introduce a stop codon at amino acid 3168. This variant is expected to result in nonsense mediated decay, truncation, or a dysfunctional protein product. This variant is rare in the general population with a frequency below the threshold expected for the associated phenotype(s). This variant has been observed in one or more individuals affected with the associated recessive disease, as either homozygous or compound heterozygous with a second variant (PMID: 31765523). Given the available evidence, this variant is classified as Pathogenic.

First Genomix Gene Laboratory, Genetic Diagnostics Department
Classification: Pathogenic for Primary ciliary dyskinesia 3. Last evaluated: 2025-01-06. Review status: criteria provided, single submitter. Criteria: ACMG Guidelines, 2015. Collection method: clinical testing. Allele origin: germline. Inheritance: Autosomal recessive inheritance. Affected: no. Observed: 1 variant allele.

NHS Central & South Genomic Laboratory Hub
Classification: Pathogenic for Respiratory ciliopathies including non-CF bronchiectasis. Last evaluated: 2024-11-11. Review status: criteria provided, single submitter. Criteria: ACMG Guidelines, 2015. Collection method: clinical testing. Allele origin: germline. Affected: yes.

Myriad Genetics, Inc.
Classification: Pathogenic for Primary ciliary dyskinesia 3. Last evaluated: 2024-05-14. Review status: criteria provided, single submitter. Criteria: Myriad Autosomal Dominant, Autosomal Recessive and X-Linked Classification Criteria (2023). Collection method: clinical testing. Allele origin: unknown.
Comment: NM_001369.2(DNAH5):c.9502C>T(R3168*) is expected to be pathogenic in the context of primary ciliary dyskinesia, DNAH5-related. This variant is predicted to lead to an abnormal or absent protein product due to the creation of a premature termination codon in DNAH5, a gene where loss-of-function variants are known to be pathogenic. Please note: this variant was assessed in the context of healthy population screening.

Fulgent Genetics
Classification: Likely pathogenic for Primary ciliary dyskinesia 3. Last evaluated: 2024-03-30. Review status: criteria provided, single submitter. Criteria: ACMG Guidelines, 2015. Collection method: clinical testing. Allele origin: germline.

Labcorp Genetics (formerly Invitae), Labcorp
Classification: Pathogenic for Primary ciliary dyskinesia. Last evaluated: 2023-05-21. Review status: criteria provided, single submitter. Criteria: Invitae Variant Classification Sherloc (09022015). Collection method: clinical testing. Allele origin: germline.
Comment: This sequence change creates a premature translational stop signal (p.Arg3168*) in the DNAH5 gene. It is expected to result in an absent or disrupted protein product. Loss-of-function variants in DNAH5 are known to be pathogenic (PMID: 11788826, 16627867). For these reasons, this variant has been classified as Pathogenic. Algorithms developed to predict the effect of sequence changes on RNA splicing suggest that this variant may create or strengthen a splice site. ClinVar contains an entry for this variant (Variation ID: 216085). This variant has not been reported in the literature in individuals affected with DNAH5-related conditions. This variant is present in population databases (no rsID available, gnomAD 0.003%).

Ambry Genetics
Classification: Pathogenic for Primary ciliary dyskinesia. Last evaluated: 2016-11-10. Review status: criteria provided, single submitter. Criteria: Ambry Variant Classification Scheme 2023. Collection method: clinical testing. Allele origin: germline.
Comment: The p.R3168* pathogenic mutation (also known as c.9502C>T), located in coding exon 56 of the DNAH5 gene, results from a C to T substitution at nucleotide position 9502. This changes the amino acid from an arginine to a stop codon within coding exon 56. This alteration is expected to result in loss of function by premature protein truncation or nonsense-mediated mRNA decay. As such, this alteration is interpreted as a disease-causing mutation.

Literature cited by the submitters: PubMed 31765523 (cited by Natera, Inc.); PubMed 11788826 (cited by Labcorp Genetics (formerly Invitae), Labcorp); PubMed 16627867 (cited by Labcorp Genetics (formerly Invitae), Labcorp).

NM_001369.3(DNAH5):c.9502C>T (p.Arg3168Ter)

Gene: DNAH5 (dynein axonemal heavy chain 5; minus strand). Cytogenetic location: 5p15.2.
Variant type: single nucleotide variant.
Coding change: c.9502C>T on transcript NM_001369.3 (MANE Select); coding-DNA position 9502, C replaced by T.
Protein change: p.Arg3168Ter; replaces arginine 3168 with a stop codon.
Molecular consequence: nonsense.
Genome position (GRCh38, 1-based): chr5:13,770,852, G>A on the plus strand (C>T on the coding strand, the complement: DNAH5 is on the minus strand). VCF-style: chr5-13770852-G-A. GRCh37 (hg19) VCF-style: chr5-13770961-G-A.
Other names: short protein forms R3168*.
Identifiers: ClinVar variation 216085 (VCV000216085.22), dbSNP rs863224504, ClinGen allele CA338247.